The following is an entry in ClinVar:

NM_015512.5(DNAH1):c.1656+1G>C

Gene: DNAH1 (dynein axonemal heavy chain 1; plus strand). Cytogenetic location: 3p21.1.
Variant type: single nucleotide variant.
Coding change: c.1656+1G>C on transcript NM_015512.5 (MANE Select); the canonical splice donor site of the intron after coding-DNA position 1656, G replaced by C.
Molecular consequence: splice donor variant.
Genome position (GRCh38, 1-based): chr3:52,345,707, G>C. VCF-style: chr3-52345707-G-C. GRCh37 (hg19) VCF-style: chr3-52379723-G-C.
Identifiers: ClinVar variation 2939459 (VCV002939459.3), dbSNP rs1210995618, ClinGen allele CA353091885.

ClinVar aggregate classification (germline): Likely pathogenic (1 of 4 stars; one submission).

Conditions:
Spermatogenic failure 18. Identifiers: MedGen C4539783, MONDO:0054615, OMIM 617576.
Ciliary dyskinesia, primary, 37 (CILD37). Also called: CILIARY DYSKINESIA, PRIMARY, 37, WITH OR WITHOUT SITUS INVERSUS. Identifiers: MedGen C4539798, MONDO:0033204, OMIM 617577.

Submission:

Labcorp Genetics (formerly Invitae), Labcorp
Classification: Likely pathogenic for Ciliary dyskinesia, primary, 37; Spermatogenic failure 18. Last evaluated: 2023-10-20. Review status: criteria provided, single submitter. Criteria: Invitae Variant Classification Sherloc (09022015). Collection method: clinical testing. Allele origin: germline.
Comment: This sequence change affects a donor splice site in intron 10 of the DNAH1 gene. It is expected to disrupt RNA splicing. Variants that disrupt the donor or acceptor splice site typically lead to a loss of protein function (PMID: 16199547), and loss-of-function variants in DNAH1 are known to be pathogenic (PMID: 27573432, 27798045). This variant is not present in population databases (gnomAD no frequency). This variant has not been reported in the literature in individuals affected with DNAH1-related conditions. Algorithms developed to predict the effect of sequence changes on RNA splicing suggest that this variant may disrupt the consensus splice site. In summary, the currently available evidence indicates that the variant is pathogenic, but additional data are needed to prove that conclusively. Therefore, this variant has been classified as Likely Pathogenic.

Literature cited by the submitters: PubMed 16199547; PubMed 27573432; PubMed 27798045.